The following is an entry in ClinVar:

NM_001031689.3(PLAA):c.1556-3T>A

Gene: PLAA (phospholipase A2 activating protein; minus strand). Cytogenetic location: 9p21.2.
Variant type: single nucleotide variant.
Coding change: c.1556-3T>A on transcript NM_001031689.3 (MANE Select); 3 bases into the intron before coding-DNA position 1556, T replaced by A.
Molecular consequence: intron variant.
Genome position (GRCh38, 1-based): chr9:26,910,442, A>T on the plus strand (T>A on the coding strand, the complement: PLAA is on the minus strand). VCF-style: chr9-26910442-A-T. GRCh37 (hg19) VCF-style: chr9-26910440-A-T.
Other names: c.1487-3T>A (NM_001321546.2).
Identifiers: ClinVar variation 4085607 (VCV004085607.8).

ClinVar aggregate classification (germline): Uncertain significance (1 of 4 stars; one submission).

gnomAD v4.1: 1 of 1,596,526 alleles (0.000063%); highest among the groups gnomAD compares: Non-Finnish European, 0.000086%; no homozygotes.

Submission:

CeGaT Center for Human Genetics Tuebingen
Classification: Uncertain significance. Last evaluated: 2025-07-01. Review status: criteria provided, single submitter. Criteria: CeGaT Center For Human Genetics Tuebingen Variant Classification Criteria Version 2. Collection method: clinical testing. Allele origin: germline. Affected: yes. Observed: 1 variant allele.
Comment: PLAA: PM2, BP4